The following is an entry in ClinVar:

NM_006231.4(POLE):c.712A>C (p.Ile238Leu)

Gene: POLE (DNA polymerase epsilon, catalytic subunit; minus strand). Cytogenetic location: 12q24.33.
Variant type: single nucleotide variant.
Coding change: c.712A>C on transcript NM_006231.4 (MANE Select); coding-DNA position 712, A replaced by C.
Protein change: p.Ile238Leu; replaces isoleucine 238 with leucine.
Molecular consequence: missense variant.
Genome position (GRCh38, 1-based): chr12:132,677,586, T>G on the plus strand (A>C on the coding strand, the complement: POLE is on the minus strand). VCF-style: chr12-132677586-T-G. GRCh37 (hg19) VCF-style: chr12-133254172-T-G.
Other names: c.712A>C (NM_006231.2); short protein forms I238L.
Identifiers: ClinVar variation 1976226 (VCV001976226.6), dbSNP rs536684123, ClinGen allele CA387364610.

ClinVar aggregate classification (germline): Uncertain significance. Review status: criteria provided, multiple submitters, no conflicts (2 of 4 stars). 2 submissions from 2 submitters: Uncertain significance (2). Last evaluated 2024-07-11.

Conditions:
Hereditary cancer-predisposing syndrome. Also called: Hereditary Cancer Syndrome; Neoplastic Syndromes, Hereditary; Tumor predisposition; Hereditary neoplastic syndrome. Identifiers: Orphanet 140162, MedGen C0027672, MeSH D009386, MONDO:0015356.

Submissions (2):

Labcorp Genetics (formerly Invitae), Labcorp
Classification: Uncertain significance. Last evaluated: 2024-07-11. Review status: criteria provided, single submitter. Criteria: Invitae Variant Classification Sherloc (09022015). Collection method: clinical testing. Allele origin: germline.
Comment: This sequence change replaces isoleucine, which is neutral and non-polar, with leucine, which is neutral and non-polar, at codon 238 of the POLE protein (p.Ile238Leu). This variant is not present in population databases (gnomAD no frequency). This variant has not been reported in the literature in individuals affected with POLE-related conditions. ClinVar contains an entry for this variant (Variation ID: 1976226). Advanced modeling of protein sequence and biophysical properties (such as structural, functional, and spatial information, amino acid conservation, physicochemical variation, residue mobility, and thermodynamic stability) performed at Invitae indicates that this missense variant is not expected to disrupt POLE protein function with a negative predictive value of 80%. In summary, the available evidence is currently insufficient to determine the role of this variant in disease. Therefore, it has been classified as a Variant of Uncertain Significance.

Ambry Genetics
Classification: Uncertain significance for Hereditary cancer-predisposing syndrome. Last evaluated: 2024-06-21. Review status: criteria provided, single submitter. Criteria: Ambry Variant Classification Scheme 2023. Collection method: clinical testing. Allele origin: germline.
Comment: The p.I238L variant (also known as c.712A>C), located in coding exon 7 of the POLE gene, results from an A to C substitution at nucleotide position 712. The isoleucine at codon 238 is replaced by leucine, an amino acid with highly similar properties. This amino acid position is conserved. In addition, this alteration is predicted to be tolerated by in silico analysis. Based on the available evidence, the clinical significance of this variant remains unclear.